The following is an entry in ClinVar:

NM_003072.5(SMARCA4):c.797C>G (p.Ser266Trp)

Gene: SMARCA4 (SWI/SNF related BAF chromatin remodeling complex subunit ATPase 4; plus strand). Cytogenetic location: 19p13.2.
Variant type: single nucleotide variant.
Coding change: c.797C>G on transcript NM_003072.5 (MANE Select); coding-DNA position 797, C replaced by G.
Protein change: p.Ser266Trp; replaces serine 266 with tryptophan.
Molecular consequence: missense variant. On other transcripts: non-coding transcript variant (1).
Genome position (GRCh38, 1-based): chr19:10,986,941, C>G. VCF-style: chr19-10986941-C-G. GRCh37 (hg19) VCF-style: chr19-11097617-C-G.
Other names: c.797C>G, p.Ser266Trp (NM_001128844.3, NM_001128845.2, NM_001128846.2 and 6 more transcripts); short protein forms S266W.
Identifiers: ClinVar variation 2789228 (VCV002789228.3), dbSNP rs371045201, ClinGen allele CA404057960.
Genomic context (GRCh38, chr19:10,986,941, plus strand): 5'-TCTTTTGTTTCTCCCTACATGTAGGTATGGGAGGGCCCAACATGCCTCCCCCAGGACCCT[C>G]GGGCGTGCCCCCCGGGATGCCAGGCCAGCCTCCTGGAGGGCCTCCCAAGCCCTGGCCTGA-3'
Protein context (NP_003063.2, residues 256-276): GGPNMPPPGP[Ser266Trp]GVPPGMPGQP

ClinVar aggregate classification (germline): Uncertain significance (1 of 4 stars; one submission).

Conditions:
Rhabdoid tumor predisposition syndrome 2 (RTPS2). Identifiers: Orphanet 231108, Orphanet 69077, MedGen C2750074, MONDO:0013224, OMIM 613325.

Submission:

Labcorp Genetics (formerly Invitae), Labcorp
Classification: Uncertain significance for Rhabdoid tumor predisposition syndrome 2. Last evaluated: 2023-04-01. Review status: criteria provided, single submitter. Criteria: Invitae Variant Classification Sherloc (09022015). Collection method: clinical testing. Allele origin: germline.
Comment: In summary, the available evidence is currently insufficient to determine the role of this variant in disease. Therefore, it has been classified as a Variant of Uncertain Significance. Advanced modeling of protein sequence and biophysical properties (such as structural, functional, and spatial information, amino acid conservation, physicochemical variation, residue mobility, and thermodynamic stability) has been performed at Invitae for this missense variant, however the output from this modeling did not meet the statistical confidence thresholds required to predict the impact of this variant on SMARCA4 protein function. This variant has not been reported in the literature in individuals affected with SMARCA4-related conditions. This variant is not present in population databases (gnomAD no frequency). This sequence change replaces serine, which is neutral and polar, with tryptophan, which is neutral and slightly polar, at codon 266 of the SMARCA4 protein (p.Ser266Trp).